The following is an entry in ClinVar:

ClinVar aggregate classification (germline): Likely benign (1 of 4 stars; one submission).

Allele frequency attached by ClinVar (database versions not stated): TOPMed 0.00004; gnomAD 0.00029; 1000 Genomes Project 30x 0.00187; 1000 Genomes Project 0.00200.
gnomAD v4.1: 43 of 152,232 alleles (0.028%); highest among the groups gnomAD compares: South Asian, 0.87%; no homozygotes.

Submission:

CeGaT Center for Human Genetics Tuebingen
Classification: Likely benign. Last evaluated: 2023-03-01. Review status: criteria provided, single submitter. Criteria: CeGaT Center For Human Genetics Tuebingen Variant Classification Criteria Version 2. Collection method: clinical testing. Allele origin: germline. Affected: yes. Observed: 1 variant allele.
Comment: BRD4: BS1

NM_001379291.1(BRD4):c.2158+3019G>C

Gene: BRD4 (bromodomain containing 4; minus strand). Cytogenetic location: 19p13.12.
Variant type: single nucleotide variant.
Coding change: c.2158+3019G>C on transcript NM_001379291.1 (MANE Select); 3019 bases into the intron after coding-DNA position 2158, G replaced by C.
Molecular consequence: intron variant.
Genome position (GRCh38, 1-based): chr19:15,251,133, C>G on the plus strand (G>C on the coding strand, the complement: BRD4 is on the minus strand). VCF-style: chr19-15251133-C-G. GRCh37 (hg19) VCF-style: chr19-15361944-C-G.
Other names: c.2158+3019G>C (NM_058243.3); c.2159-1843G>C (NM_001379292.1, NM_014299.3).
Identifiers: ClinVar variation 2649466 (VCV002649466.24), dbSNP rs535444423, ClinGen allele CA305797219.